The following is an entry in ClinVar:

ClinVar aggregate classification (germline): Likely pathogenic (1 of 4 stars; one submission).

Conditions:
Pyruvate dehydrogenase E1-beta deficiency (PDHBD). Identifiers: Orphanet 255138, Orphanet 765, MedGen C3279841, MONDO:0013580, OMIM 614111.

Allele frequency attached by ClinVar (database versions not stated): gnomAD exomes below 0.00001.
gnomAD v4.1: 1 of 1,609,946 alleles (0.000062%); highest among the groups gnomAD compares: Non-Finnish European, 0.000085%; no homozygotes.

Submission:

Labcorp Genetics (formerly Invitae), Labcorp
Classification: Likely pathogenic for Pyruvate dehydrogenase E1-beta deficiency. Last evaluated: 2024-01-24. Review status: criteria provided, single submitter. Criteria: Invitae Variant Classification Sherloc (09022015). Collection method: clinical testing. Allele origin: germline.
Comment: This sequence change affects a donor splice site in intron 2 of the PDHB gene. It is expected to disrupt RNA splicing. Variants that disrupt the donor or acceptor splice site typically lead to a loss of protein function (PMID: 16199547), and loss-of-function variants in PDHB are known to be pathogenic (PMID: 21914562, 25356417). This variant is not present in population databases (gnomAD no frequency). This variant has not been reported in the literature in individuals affected with PDHB-related conditions. ClinVar contains an entry for this variant (Variation ID: 1463811). Algorithms developed to predict the effect of sequence changes on RNA splicing suggest that this variant may disrupt the consensus splice site. In summary, the currently available evidence indicates that the variant is pathogenic, but additional data are needed to prove that conclusively. Therefore, this variant has been classified as Likely Pathogenic.

Literature cited by the submitters: PubMed 16199547; PubMed 21914562; PubMed 25356417.

NM_000925.4(PDHB):c.96+2T>C

Genes: PDHB (pyruvate dehydrogenase E1 subunit beta; minus strand), LOC129936949 (ATAC-STARR-seq lymphoblastoid active region 20012; plus strand). Cytogenetic location: 3p14.3.
Variant type: single nucleotide variant.
Coding change: c.96+2T>C on transcript NM_000925.4 (MANE Select); the canonical splice donor site of the intron after coding-DNA position 96, T replaced by C.
Molecular consequence: splice donor variant. On other transcripts: intron variant (1).
Genome position (GRCh38, 1-based): chr3:58,433,629, A>G on the plus strand (T>C on the coding strand, the complement: PDHB is on the minus strand). VCF-style: chr3-58433629-A-G. GRCh37 (hg19) VCF-style: chr3-58419356-A-G.
Other names: c.42+139T>C (NM_001315536.2); c.96+2T>C (NM_001173468.2).
Identifiers: ClinVar variation 1463811 (VCV001463811.8), dbSNP rs2107943571, ClinGen allele CA353364687.
Genomic context (GRCh38, chr3:58,433,629, plus strand): 5'-TCCTTCCCGAGAGAAGGGGGGACCCTCCCCGCCCTCGTCCGACGAGCACCCGCGCCTGTT[A>G]CCTGCAGCGCAGCCGGCGCGGTCCAGTGAAAGCGCCTCTTCAGCAGCCCGGAGACCTGGC-3'